The following is an entry in ClinVar:

NM_014244.5(ADAMTS2):c.1209G>A (p.Ala403=)

Gene: ADAMTS2 (ADAM metallopeptidase with thrombospondin type 1 motif 2; minus strand). Cytogenetic location: 5q35.3.
Variant type: single nucleotide variant.
Coding change: c.1209G>A on transcript NM_014244.5 (MANE Select); coding-DNA position 1209, G replaced by A.
Protein change: p.Ala403=; no amino-acid change (alanine 403 retained).
Molecular consequence: synonymous variant.
Genome position (GRCh38, 1-based): chr5:179,154,843, C>T on the plus strand (G>A on the coding strand, the complement: ADAMTS2 is on the minus strand). VCF-style: chr5-179154843-C-T. GRCh37 (hg19) VCF-style: chr5-178581844-C-T.
Other names: c.1209G>A, p.Ala403= (NM_021599.4).
Identifiers: ClinVar variation 1080912 (VCV001080912.45), dbSNP rs142967783, ClinGen allele CA3596006.

ClinVar aggregate classification (germline): Likely benign. Review status: criteria provided, multiple submitters, no conflicts (2 of 4 stars). 4 submissions from 4 submitters: Likely benign (3). 1 of the submissions does not count toward it. Last evaluated 2026-01-09.

Conditions:
ADAMTS2-related disorder. Also called: ADAMTS2-related condition.
Ehlers-Danlos syndrome, dermatosparaxis type. Also called: Ehlers-Danlos syndrome, type VII, autosomal recessive; EDS VIIC; Dermatosparaxis. Identifiers: Orphanet 1901, MedGen C2700425, MONDO:0009161, OMIM 225410.

Allele frequency attached by ClinVar (database versions not stated): gnomAD exomes 0.00002; ExAC 0.00003; TOPMed 0.00003; gnomAD 0.00004 and 0.00005; ESP Exome Variant Server 0.00023.
gnomAD v4.1: 29 of 1,613,056 alleles (0.0018%); highest among the groups gnomAD compares: African/African-American, 0.0053%; no homozygotes.

Submissions (4):

Labcorp Genetics (formerly Invitae), Labcorp
Classification: Likely benign for Ehlers-Danlos syndrome, dermatosparaxis type. Last evaluated: 2026-01-09. Review status: criteria provided, single submitter. Criteria: Invitae Variant Classification Sherloc (09022015). Collection method: clinical testing. Allele origin: germline.

CeGaT Center for Human Genetics Tuebingen
Classification: Likely benign. Last evaluated: 2021-02-01. Review status: criteria provided, single submitter. Criteria: CeGaT Center For Human Genetics Tuebingen Variant Classification Criteria Version 2. Collection method: clinical testing. Allele origin: germline. Affected: yes. Observed: 1 variant allele.

GeneDx
Classification: Likely benign. Last evaluated: 2019-01-21. Review status: criteria provided, single submitter. Criteria: GeneDx Variant Classification Process June 2021. Collection method: clinical testing. Allele origin: germline. Affected: yes.

PreventionGenetics, part of Exact Sciences
Classification: Likely benign for ADAMTS2-related condition. Last evaluated: 2021-04-06. Review status: no assertion criteria provided. Collection method: clinical testing. Allele origin: germline. Not counted in ClinVar's aggregate classification.
Comment: This variant is classified as likely benign based on ACMG/AMP sequence variant interpretation guidelines (Richards et al. 2015 PMID: 25741868, with internal and published modifications).